The following is an entry in ClinVar:

NM_031471.6(FERMT3):c.861C>T (p.Thr287=)

Gene: FERMT3 (FERM domain containing kindlin 3; plus strand). Cytogenetic location: 11q13.1.
Variant type: single nucleotide variant.
Coding change: c.861C>T on transcript NM_031471.6 (MANE Select); coding-DNA position 861, C replaced by T.
Protein change: p.Thr287=; no amino-acid change (threonine 287 retained).
Molecular consequence: synonymous variant.
Genome position (GRCh38, 1-based): chr11:64,219,325, C>T. VCF-style: chr11-64219325-C-T. GRCh37 (hg19) VCF-style: chr11-63986797-C-T.
Other names: c.861C>T, p.Thr287= (NM_001382361.1, NM_001382362.1, NM_001382448.1 and 1 more transcripts); c.321C>T, p.Thr107= (NM_001382363.1, NM_001382364.1).
Identifiers: ClinVar variation 2919044 (VCV002919044.5), dbSNP rs775734796, ClinGen allele CA6068928.

ClinVar aggregate classification (germline): Likely benign. Review status: criteria provided, multiple submitters, no conflicts (2 of 4 stars). 2 submissions from 2 submitters: Likely benign (2). Last evaluated 2026-04-01.

Conditions:
Leukocyte adhesion deficiency 3. Also called: Leukocyte adhesion deficiency, type III; INTEGRIN ACTIVATION DEFICIENCY DISEASE; LEUKOCYTE ADHESION DEFICIENCY 1 VARIANT. Identifiers: Orphanet 2968, Orphanet 99844, MedGen C2748536, MONDO:0013016, OMIM 612840.

Allele frequency attached by ClinVar (database versions not stated): gnomAD 0.00001; ExAC 0.00006.
gnomAD v4.1: 14 of 1,607,702 alleles (0.00087%); highest among the groups gnomAD compares: East Asian, 0.0022%; no homozygotes.

Submissions (2):

CeGaT Center for Human Genetics Tuebingen
Classification: Likely benign. Last evaluated: 2026-04-01. Review status: criteria provided, single submitter. Criteria: CeGaT Center For Human Genetics Tuebingen Variant Classification Criteria Version 2. Collection method: clinical testing. Allele origin: germline. Affected: yes. Observed: 1 variant allele.
Comment: FERMT3: BP4, BP7

Labcorp Genetics (formerly Invitae), Labcorp
Classification: Likely benign for Leukocyte adhesion deficiency 3. Last evaluated: 2024-10-22. Review status: criteria provided, single submitter. Criteria: Invitae Variant Classification Sherloc (09022015). Collection method: clinical testing. Allele origin: germline.